The following is an entry in ClinVar:

NM_001018115.3(FANCD2):c.219A>G (p.Ile73Met)

Genes: FANCD2 (FA complementation group D2; plus strand), LOC107303338 (3p25 FANCD2 Alu-mediated recombination region; plus strand). Cytogenetic location: 3p25.3.
Variant type: single nucleotide variant.
Coding change: c.219A>G on transcript NM_001018115.3 (MANE Select); coding-DNA position 219, A replaced by G.
Protein change: p.Ile73Met; replaces isoleucine 73 with methionine.
Molecular consequence: missense variant.
Genome position (GRCh38, 1-based): chr3:10,034,482, A>G. VCF-style: chr3-10034482-A-G. GRCh37 (hg19) VCF-style: chr3-10076166-A-G.
Other names: c.219A>G, p.Ile73Met (NM_001319984.2, NM_001374253.1, NM_001374254.1 and 2 more transcripts); short protein forms I73M.
Identifiers: ClinVar variation 1506046 (VCV001506046.8), dbSNP rs2124974577, ClinGen allele CA351720087.

ClinVar aggregate classification (germline): Uncertain significance (1 of 4 stars; one submission).

Conditions:
Fanconi anemia (FA). Also called: Fanconi's anemia. Identifiers: Orphanet 84, MedGen C0015625, MeSH D005199, MONDO:0019391.

Submission:

Labcorp Genetics (formerly Invitae), Labcorp
Classification: Uncertain significance for Fanconi anemia. Last evaluated: 2022-05-12. Review status: criteria provided, single submitter. Criteria: Invitae Variant Classification Sherloc (09022015). Collection method: clinical testing. Allele origin: germline.
Comment: This variant is not present in population databases (gnomAD no frequency). This sequence change replaces isoleucine, which is neutral and non-polar, with methionine, which is neutral and non-polar, at codon 73 of the FANCD2 protein (p.Ile73Met). In summary, the available evidence is currently insufficient to determine the role of this variant in disease. Therefore, it has been classified as a Variant of Uncertain Significance. Algorithms developed to predict the effect of missense changes on protein structure and function are either unavailable or do not agree on the potential impact of this missense change (SIFT: "Deleterious"; PolyPhen-2: "Benign"; Align-GVGD: "Class C0"). This variant has not been reported in the literature in individuals affected with FANCD2-related conditions.